The following is an entry in ClinVar:

ClinVar aggregate classification (germline): Uncertain significance (1 of 4 stars; one submission).

Conditions:
Inborn genetic diseases. Identifiers: MedGen C0950123, MeSH D030342.

Submission:

Ambry Genetics
Classification: Uncertain significance for Inborn genetic diseases. Last evaluated: 2023-09-25. Review status: criteria provided, single submitter. Criteria: Ambry Variant Classification Scheme 2023. Collection method: clinical testing. Allele origin: germline.
Comment: The p.P63A variant (also known as c.187C>G), located in coding exon 1 of the ACD gene, results from a C to G substitution at nucleotide position 187. The proline at codon 63 is replaced by alanine, an amino acid with highly similar properties. This amino acid position is conserved. In addition, this alteration is predicted to be tolerated by in silico analysis. Since supporting evidence is limited at this time, the clinical significance of this alteration remains unclear.

NM_001082486.1(ACD):c.187C>G (p.Pro63Ala)

Gene: ACD (ACD shelterin complex subunit and telomerase recruitment factor; minus strand). Cytogenetic location: 16q22.1.
Variant type: single nucleotide variant.
Coding change: c.187C>G on transcript NM_001082486.1; coding-DNA position 187, C replaced by G.
Protein change: p.Pro63Ala; replaces proline 63 with alanine.
Genome position (GRCh38, 1-based): chr16:67,660,292, G>C on the plus strand (C>G on the coding strand, the complement: ACD is on the minus strand). VCF-style: chr16-67660292-G-C. GRCh37 (hg19) VCF-style: chr16-67694195-G-C.
Other names: short protein forms P63A.
Identifiers: ClinVar variation 3232656 (VCV003232656.1), dbSNP rs2142976460, ClinGen allele CA396359478.